The following is an entry in ClinVar:

ClinVar aggregate classification (germline): Uncertain significance (1 of 4 stars; one submission).

Conditions:
Familial isolated arrhythmogenic right ventricular dysplasia. Identifiers: Orphanet 217656, MedGen C4274968, MONDO:0016342.

Allele frequency attached by ClinVar (database versions not stated): ExAC 0.00001.

Submission:

All of Us Research Program, National Institutes of Health
Classification: Uncertain significance for Familial isolated arrhythmogenic right ventricular dysplasia. Last evaluated: 2023-02-24. Review status: criteria provided, single submitter. Criteria: ACMG Guidelines, 2015. Collection method: clinical testing. Allele origin: germline. Inheritance: Autosomal dominant inheritance. Observed: 1 variant allele, 1 heterozygote.
Comment: This missense variant replaces glutamic acid with aspartic acid at codon 795 of the DSC2 protein. Computational prediction suggests that this variant may not impact protein structure and function (internally defined REVEL score threshold <= 0.5, PMID: 27666373). To our knowledge, functional studies have not been reported for this variant. This variant has not been reported in individuals affected with DSC2-related disorders in the literature. This variant has not been identified in the general population by the Genome Aggregation Database (gnomAD). The available evidence is insufficient to determine the role of this variant in disease conclusively. Therefore, this variant is classified as a Variant of Uncertain Significance.

This study involves interpretation of variants in research participants for the purpose of population health screening. Participant phenotype was not available at the time of variant classification. Additional details can be found in publication PMID: 35346344, PMCID: PMC8962531

NM_024422.6(DSC2):c.2385A>T (p.Glu795Asp)

Gene: DSC2 (desmocollin 2; minus strand). Cytogenetic location: 18q12.1.
Variant type: single nucleotide variant.
Coding change: c.2385A>T on transcript NM_024422.6 (MANE Select); coding-DNA position 2385, A replaced by T.
Protein change: p.Glu795Asp; replaces glutamic acid 795 with aspartic acid.
Molecular consequence: missense variant.
Genome position (GRCh38, 1-based): chr18:31,069,017, T>A on the plus strand (A>T on the coding strand, the complement: DSC2 is on the minus strand). VCF-style: chr18-31069017-T-A. GRCh37 (hg19) VCF-style: chr18-28648983-T-A.
Other names: c.1956A>T, p.Glu652Asp (NM_001406506.1, NM_001406507.1); c.2385A>T, p.Glu795Asp (NM_004949.5); short protein forms E652D, E795D.
Identifiers: ClinVar variation 3069719 (VCV003069719.1), dbSNP rs773729735, ClinGen allele CA036497.